The following continues an entry in ClinVar:

NM_006218.4(PIK3CA):c.353G>A (p.Gly118Asp)

Gene: PIK3CA. ClinVar aggregate classification (germline): Pathogenic. Pathogenic (7). ClinVar aggregate classification (somatic clinical impact): Tier I - Strong. ClinVar aggregate classification (oncogenicity): Likely oncogenic.

Submissions 11 to 15 of 15:

Seattle Children's Hospital Molecular Genetics Laboratory, Seattle Children's Hospital
Classification: Pathogenic for Angioosteohypertrophic syndrome. Last evaluated: 2021-02-22. Review status: criteria provided, single submitter. Criteria: ACMG Guidelines, 2015. Collection method: clinical testing. Allele origin: somatic. Affected: yes. Observed: 4 variant alleles. Clinical features observed: Capillary malformation (HP:0025104), Hemangioma (HP:0001028), Hemihypertrophy (HP:0001528).
Comment: This variant has previously been reported in multiple unrelated individuals with PIK3CA-related segmental overgrowth syndrome (PMID: 28151489, PMID: 23246288, PMID: 26637981). PIK3CA variants associated with PROS, including this patient's alteration, overlap those reported as oncogenic variants found in multiple tumor types (cBioPortal and NCI's Genomic Data Commons cancer databases). This variant replaces the glycine at position 118 with aspartic acid within the linker region of the PIK3CA protein (UniProt P42336). Experimental studies have demonstrated that the p.Gly118Asp variant results in overactivation of the PI3K/AKT/mTOR pathway (PMID: 23246288).

Seattle Children's Hospital Molecular Genetics Laboratory, Seattle Children's Hospital
Classification: Pathogenic for PIK3CA-related overgrowth syndrome. Review status: criteria provided, single submitter. Criteria: ACMG Guidelines, 2015. Collection method: clinical testing. Allele origin: somatic. Affected: yes.
Comment: This variant has previously been reported in multiple unrelated individuals with PIK3CA-related segmental overgrowth syndrome (PROS), which includes CLOVES syndrome (PMID: 23246288, PMID: 26637981, PMID: 28151489). PIK3CA variants associated with PROS, including this patient's alteration, overlap those reported as oncogenic variants found in multiple tumor types (cBioPortal and NCI's Genomic Data Commons cancer databases). This variant replaces the glycine at position 118 with aspartic acid within the linker region of the PIK3CA protein (UniProt P42336). Experimental studies have demonstrated that the p.Gly118Asp variant results in overactivation of the PI3K/AKT/mTOR pathway (PMID: 23246288).

Institute of Tissue Medicine and Pathology, University of Bern
Classification: Likely pathogenic for Angioosteohypertrophic syndrome. Last evaluated: 2024-03-19. Review status: no assertion criteria provided. Collection method: clinical testing. Allele origin: unknown. Affected: yes. Observed: 1 variant allele. Not counted in ClinVar's aggregate classification.

Yale Center for Mendelian Genomics, Yale University
Classification: Pathogenic for Keratoacanthoma. Last evaluated: 2016-06-07. Review status: no assertion criteria provided. Collection method: literature only. Allele origin: somatic. Affected: yes. Observed: 1 heterozygote. Study: Yale Center for Mendelian Genomics. Not counted in ClinVar's aggregate classification.

OMIM
Classification: Pathogenic for COWDEN SYNDROME 5. Last evaluated: 2013-01-10. Review status: no assertion criteria provided. Collection method: literature only. Allele origin: germline. Not counted in ClinVar's aggregate classification.

Literature cited by the submitters: PubMed 22949682 (cited by 3 submitters); PubMed 23246288 (cited by 3 submitters); PubMed 29533785 (cited by Center for Genomic Medicine, Rigshospitalet, Copenhagen University Hospital and Institute for Genomic Medicine (IGM) Clinical Laboratory, Nationwide Children's Hospital); PubMed 24436047 (cited by Institute for Genomic Medicine (IGM) Clinical Laboratory, Nationwide Children's Hospital); PubMed 34166060 (cited by Institute for Genomic Medicine (IGM) Clinical Laboratory, Nationwide Children's Hospital); PubMed 24332040 (cited by Institute for Genomic Medicine (IGM) Clinical Laboratory, Nationwide Children's Hospital); PubMed 26138366 (cited by Institute for Genomic Medicine (IGM) Clinical Laboratory, Nationwide Children's Hospital); PubMed 25768946 (cited by Institute for Genomic Medicine (IGM) Clinical Laboratory, Nationwide Children's Hospital); PubMed 33020650 (cited by Institute for Genomic Medicine (IGM) Clinical Laboratory, Nationwide Children's Hospital); PubMed 28912153 (cited by Institute for Genomic Medicine (IGM) Clinical Laboratory, Nationwide Children's Hospital); PubMed 28966033 (cited by Institute for Genomic Medicine (IGM) Clinical Laboratory, Nationwide Children's Hospital); PubMed 31617914 (cited by Institute for Genomic Medicine (IGM) Clinical Laboratory, Nationwide Children's Hospital); PubMed 24705251 (cited by Institute for Genomic Medicine (IGM) Clinical Laboratory, Nationwide Children's Hospital); PubMed 29763623 (cited by Institute for Genomic Medicine (IGM) Clinical Laboratory, Nationwide Children's Hospital); PubMed 35332262 (cited by Institute for Genomic Medicine (IGM) Clinical Laboratory, Nationwide Children's Hospital); PubMed 35195909 (cited by Institute for Genomic Medicine (IGM) Clinical Laboratory, Nationwide Children's Hospital); PubMed 35303099 (cited by Institute for Genomic Medicine (IGM) Clinical Laboratory, Nationwide Children's Hospital); PubMed 28151489 (cited by Labcorp Genetics (formerly Invitae), Labcorp); PubMed 27283355 (cited by Yale Center for Mendelian Genomics, Yale University).